The following is an entry in ClinVar:

ClinVar aggregate classification (germline): Uncertain significance. Review status: criteria provided, multiple submitters, no conflicts (2 of 4 stars). 6 submissions from 6 submitters: Uncertain significance (4). 2 of the submissions do not count toward it. Last evaluated 2025-07-16.

Conditions:
CEP290-related disorder. Also called: CEP290-related condition; CEP290-related disorders. Identifiers: MedGen CN239314.
Joubert syndrome. Also called: JOUBERT-BOLTSHAUSER SYNDROME; Familial aplasia of the vermis. Identifiers: Orphanet 475, MedGen C5979921, MONDO:0018772.
Meckel-Gruber syndrome. Also called: DYSENCEPHALIA SPLANCHNOCYSTICA; GRUBER SYNDROME; Dysencephalia splachnocystica. Identifiers: Orphanet 564, MedGen C0265215, MONDO:0018921.
Nephronophthisis. Also called: Juvenile Nephronophthisis. Identifiers: Orphanet 655, MedGen C0687120, MONDO:0019005, HP:0000090.
Leber congenital amaurosis 10 (LCA10). Identifiers: Orphanet 65, MedGen C1857821, MONDO:0012723, OMIM 611755.
Meckel syndrome, type 4 (MKS4). Also called: MECKEL-GRUBER SYNDROME, TYPE 4. Identifiers: Orphanet 564, MedGen C1970161, MONDO:0012626, OMIM 611134.
Joubert syndrome 5 (JBTS5). Identifiers: Orphanet 2318, MedGen C1857780, MONDO:0012432, OMIM 610188.
Bardet-Biedl syndrome 14 (BBS14). Identifiers: Orphanet 110, MedGen C2673874, MONDO:0014442, OMIM 615991.
Senior-Loken syndrome 6 (SLSN6). Identifiers: Orphanet 3156, MedGen C1857779, MONDO:0012433, OMIM 610189.
Inborn genetic diseases. Identifiers: MedGen C0950123, MeSH D030342.
Leber congenital amaurosis (LCA). Also called: Leber's amaurosis. Identifiers: Orphanet 65, MedGen C0339527, MeSH D057130, MONDO:0018998.

Allele frequency attached by ClinVar (database versions not stated): gnomAD exomes 0.00005 and 0.00011; gnomAD 0.00007 and 0.00008; TOPMed 0.00007; ExAC 0.00004.
gnomAD v4.1: 171 of 1,601,586 alleles (0.011%); highest among the groups gnomAD compares: Non-Finnish European, 0.013%; no homozygotes.

Submissions (6):

Ambry Genetics
Classification: Uncertain significance for Inborn genetic diseases. Last evaluated: 2025-07-16. Review status: criteria provided, single submitter. Criteria: Ambry Variant Classification Scheme 2023. Collection method: clinical testing. Allele origin: germline.

Labcorp Genetics (formerly Invitae), Labcorp
Classification: Uncertain significance for Joubert syndrome; Meckel-Gruber syndrome; Nephronophthisis. Last evaluated: 2024-11-05. Review status: criteria provided, single submitter. Criteria: Invitae Variant Classification Sherloc (09022015). Collection method: clinical testing. Allele origin: germline.
Comment: This sequence change replaces lysine, which is basic and polar, with arginine, which is basic and polar, at codon 2107 of the CEP290 protein (p.Lys2107Arg). This variant is present in population databases (rs755933899, gnomAD 0.01%). This missense change has been observed in individual(s) with CEP290-related conditions (PMID: 29974258). ClinVar contains an entry for this variant (Variation ID: 849463). Invitae Evidence Modeling of protein sequence and biophysical properties (such as structural, functional, and spatial information, amino acid conservation, physicochemical variation, residue mobility, and thermodynamic stability) indicates that this missense variant is not expected to disrupt CEP290 protein function with a negative predictive value of 80%. In summary, the available evidence is currently insufficient to determine the role of this variant in disease. Therefore, it has been classified as a Variant of Uncertain Significance.

Blueprint Genetics
Classification: Uncertain significance. Last evaluated: 2024-07-19. Review status: criteria provided, single submitter. Criteria: ACMG Guidelines, 2015. Collection method: clinical testing. Allele origin: germline.

Fulgent Genetics
Classification: Uncertain significance for Joubert syndrome 5; Senior-Loken syndrome 6; Meckel syndrome, type 4; Leber congenital amaurosis 10; Bardet-Biedl syndrome 14. Last evaluated: 2023-12-29. Review status: criteria provided, single submitter. Criteria: ACMG Guidelines, 2015. Collection method: clinical testing. Allele origin: germline.

PreventionGenetics, part of Exact Sciences
Classification: Uncertain significance for CEP290-related condition. Last evaluated: 2024-06-25. Review status: no assertion criteria provided. Collection method: clinical testing. Allele origin: germline. Not counted in ClinVar's aggregate classification.
Comment: The CEP290 c.6320A>G variant is predicted to result in the amino acid substitution p.Lys2107Arg. This variant has been reported in the heterozygous state in an individual with Joubert syndrome; however the individual also harbored a variant in the KIF7 gene (patient 1-62, Table S2, Kroes et al. 2016. PubMed ID: 25920555; Table 3, Stokman et al. 2018. PubMed ID: 29974258). This variant is reported in 0.0085% of alleles in individuals of European (Non-Finnish) descent in gnomAD. At this time, the clinical significance of this variant is uncertain due to the absence of conclusive functional and genetic evidence.

Natera, Inc.
Classification: Uncertain significance for Leber congenital amaurosis. Last evaluated: 2019-12-19. Review status: no assertion criteria provided. Collection method: clinical testing. Allele origin: germline. Not counted in ClinVar's aggregate classification.

Literature cited by the submitters: PubMed 25920555 (cited by Ambry Genetics); PubMed 29974258 (cited by Ambry Genetics and Labcorp Genetics (formerly Invitae), Labcorp).

NM_025114.4(CEP290):c.6320A>G (p.Lys2107Arg)

Genes: CEP290 (centrosomal protein 290; minus strand), LOC129390514 (MPRA-validated peak1864 silencer; plus strand). Cytogenetic location: 12q21.32.
Variant type: single nucleotide variant.
Coding change: c.6320A>G on transcript NM_025114.4 (MANE Select); coding-DNA position 6320, A replaced by G.
Protein change: p.Lys2107Arg; replaces lysine 2107 with arginine.
Molecular consequence: missense variant.
Genome position (GRCh38, 1-based): chr12:88,062,729, T>C on the plus strand (A>G on the coding strand, the complement: CEP290 is on the minus strand). VCF-style: chr12-88062729-T-C. GRCh37 (hg19) VCF-style: chr12-88456506-T-C.
Other names: short protein forms K2107R.
Identifiers: ClinVar variation 849463 (VCV000849463.10), dbSNP rs755933899, ClinGen allele CA6711527.